The following is an entry in ClinVar:

NM_001768.7(CD8A):c.221C>T (p.Ser74Phe)

Gene: CD8A (CD8 subunit alpha; minus strand). Cytogenetic location: 2p11.2.
Variant type: single nucleotide variant.
Coding change: c.221C>T on transcript NM_001768.7 (MANE Select); coding-DNA position 221, C replaced by T.
Protein change: p.Ser74Phe; replaces serine 74 with phenylalanine.
Molecular consequence: missense variant. On other transcripts: non-coding transcript variant (3).
Genome position (GRCh38, 1-based): chr2:86,790,510, G>A on the plus strand (C>T on the coding strand, the complement: CD8A is on the minus strand). VCF-style: chr2-86790510-G-A. GRCh37 (hg19) VCF-style: chr2-87017633-G-A.
Other names: c.221C>T (NM_001768.6); c.221C>T, p.Ser74Phe (NM_001145873.1, NM_001382698.1, NM_171827.4); short protein forms S74F.
Identifiers: ClinVar variation 1438755 (VCV001438755.8), dbSNP rs754918271, ClinGen allele CA1751248.

ClinVar aggregate classification (germline): Uncertain significance. Review status: criteria provided, multiple submitters, no conflicts (2 of 4 stars). 3 submissions from 3 submitters: Uncertain significance (3). Last evaluated 2024-09-12.

Conditions:
Susceptibility to respiratory infections associated with CD8alpha chain mutation (IMD116). Also called: IMMUNODEFICIENCY 116; Cd8 deficiency, familial. Identifiers: Orphanet 169085, MedGen C1837065, MONDO:0012161, OMIM 608957.

Allele frequency attached by ClinVar (database versions not stated): gnomAD exomes below 0.00001; ExAC 0.00001; TOPMed 0.00003; gnomAD 0.00005.
gnomAD v4.1: 48 of 1,614,010 alleles (0.003%); highest among the groups gnomAD compares: Admixed American, 0.005%; no homozygotes.

Submissions (3):

Blueprint Genetics
Classification: Uncertain significance. Last evaluated: 2024-09-12. Review status: criteria provided, single submitter. Criteria: ACMG Guidelines, 2015. Collection method: clinical testing. Allele origin: germline.

Ambry Genetics
Classification: Uncertain significance. Last evaluated: 2022-01-03. Review status: criteria provided, single submitter. Criteria: Ambry Variant Classification Scheme 2023. Collection method: clinical testing. Allele origin: germline.

Labcorp Genetics (formerly Invitae), Labcorp
Classification: Uncertain significance for Susceptibility to respiratory infections associated with CD8alpha chain mutation. Last evaluated: 2021-09-01. Review status: criteria provided, single submitter. Criteria: Invitae Variant Classification Sherloc (09022015). Collection method: clinical testing. Allele origin: germline.
Comment: This sequence change replaces serine with phenylalanine at codon 74 of the CD8A protein (p.Ser74Phe). The serine residue is highly conserved and there is a large physicochemical difference between serine and phenylalanine. This variant is present in population databases (rs754918271, ExAC 0.002%). This variant has not been reported in the literature in individuals affected with CD8A-related conditions. Algorithms developed to predict the effect of missense changes on protein structure and function are either unavailable or do not agree on the potential impact of this missense change (SIFT: "Deleterious"; PolyPhen-2: "Probably Damaging"; Align-GVGD: "Class C15"). In summary, the available evidence is currently insufficient to determine the role of this variant in disease. Therefore, it has been classified as a Variant of Uncertain Significance.